The following is an entry in ClinVar:

NM_022124.6(CDH23):c.7056G>A (p.Gly2352=)

Gene: CDH23 (cadherin related 23; plus strand). Cytogenetic location: 10q22.1.
Variant type: single nucleotide variant.
Coding change: c.7056G>A on transcript NM_022124.6 (MANE Select); coding-DNA position 7056, G replaced by A.
Protein change: p.Gly2352=; no amino-acid change (glycine 2352 retained).
Molecular consequence: synonymous variant.
Genome position (GRCh38, 1-based): chr10:71,799,112, G>A. VCF-style: chr10-71799112-G-A. GRCh37 (hg19) VCF-style: chr10-73558869-G-A.
Other names: c.336G>A, p.Gly112= (NM_001171933.1, NM_001171934.1).
Identifiers: ClinVar variation 666661 (VCV000666661.7), dbSNP rs1589428423, ClinGen allele CA470281966.

ClinVar aggregate classification (germline): Likely benign. Review status: criteria provided, multiple submitters, no conflicts (2 of 4 stars). 2 submissions from 2 submitters: Likely benign (2). Last evaluated 2023-08-14.

gnomAD v4.1: 3 of 1,612,516 alleles (0.00019%); highest among the groups gnomAD compares: Non-Finnish European, 0.00017%; no homozygotes.

Submissions (2):

Labcorp Genetics (formerly Invitae), Labcorp
Classification: Likely benign. Last evaluated: 2023-08-14. Review status: criteria provided, single submitter. Criteria: Invitae Variant Classification Sherloc (09022015). Collection method: clinical testing. Allele origin: germline.

Laboratory for Molecular Medicine, Mass General Brigham Personalized Medicine
Classification: Likely benign. Last evaluated: 2018-03-02. Review status: criteria provided, single submitter. Criteria: LMM Criteria. Collection method: clinical testing. Allele origin: germline. Observed: 1 variant allele.
Comment: p.Gly2352Gly in exon 51 of CDH23: This variant is classified as likely benign be cause it does not alter an amino acid residue, it is not located within the spl ice consensus sequence, and splice prediction algorithms do not predict a newly created splice site. ACMG/AMP Criteria applied: PM2; BP4; BP7.